The following is an entry in ClinVar:

ClinVar aggregate classification (germline): Uncertain significance (1 of 4 stars; one submission).

Allele frequency attached by ClinVar (database versions not stated): gnomAD exomes below 0.00001; TOPMed 0.00002; gnomAD 0.00003.

Submission:

Labcorp Genetics (formerly Invitae), Labcorp
Classification: Uncertain significance. Last evaluated: 2022-07-13. Review status: criteria provided, single submitter. Criteria: Invitae Variant Classification Sherloc (09022015). Collection method: clinical testing. Allele origin: germline.
Comment: This sequence change replaces glycine, which is neutral and non-polar, with valine, which is neutral and non-polar, at codon 2851 of the VCAN protein (p.Gly2851Val). This variant is present in population databases (no rsID available, gnomAD 0.01%). This variant has not been reported in the literature in individuals affected with VCAN-related conditions. Algorithms developed to predict the effect of missense changes on protein structure and function output the following: SIFT: "Tolerated"; PolyPhen-2: "Benign"; Align-GVGD: "Class C0". The valine amino acid residue is found in multiple mammalian species, which suggests that this missense change does not adversely affect protein function. In summary, the available evidence is currently insufficient to determine the role of this variant in disease. Therefore, it has been classified as a Variant of Uncertain Significance.

NM_004385.5(VCAN):c.8552G>T (p.Gly2851Val)

Genes: VCAN (versican; plus strand), VCAN-AS1 (VCAN antisense RNA 1; minus strand). Cytogenetic location: 5q14.3.
Variant type: single nucleotide variant.
Coding change: c.8552G>T on transcript NM_004385.5 (MANE Select); coding-DNA position 8552, G replaced by T.
Protein change: p.Gly2851Val; replaces glycine 2851 with valine.
Molecular consequence: missense variant. On other transcripts: intron variant (2).
Genome position (GRCh38, 1-based): chr5:83,541,555, G>T. VCF-style: chr5-83541555-G-T. GRCh37 (hg19) VCF-style: chr5-82837374-G-T.
Other names: c.5591G>T, p.Gly1864Val (NM_001164097.2); c.4004-3982G>T (NM_001164098.2); c.1043-3982G>T (NM_001126336.3); short protein forms G1864V, G2851V.
Identifiers: ClinVar variation 1942856 (VCV001942856.5), dbSNP rs1271175859, ClinGen allele CA360293660.